The following is an entry in ClinVar:

NM_000433.4(NCF2):c.1291-3C>T

Gene: NCF2 (neutrophil cytosolic factor 2; minus strand). Cytogenetic location: 1q25.3.
Variant type: single nucleotide variant.
Coding change: c.1291-3C>T on transcript NM_000433.4 (MANE Select); 3 bases into the intron before coding-DNA position 1291, C replaced by T.
Molecular consequence: intron variant.
Genome position (GRCh38, 1-based): chr1:183,560,276, G>A on the plus strand (C>T on the coding strand, the complement: NCF2 is on the minus strand). VCF-style: chr1-183560276-G-A. GRCh37 (hg19) VCF-style: chr1-183529411-G-A.
Other names: c.1291-3C>T (NM_001127651.3); c.1048-3C>T (NM_001190789.2); c.1156-3C>T (NM_001190794.2).
Identifiers: ClinVar variation 948062 (VCV000948062.8), dbSNP rs1671983911, ClinGen allele CA1139656445.
Genomic context (GRCh38, chr1:183,560,276, plus strand): 5'-GGTTATTAGCATCAGCTTTTTCACTTTCCTTGGGTTCATCTGGAAAGCCTTGGTCACCCT[G>A]AAATAATAAAGGGCCTGTTAATTTTCCCAATTTCCTGCCAAGTGAACACTGAACATCACT-3'

ClinVar aggregate classification (germline): Uncertain significance (1 of 4 stars; one submission).

Conditions:
Granulomatous disease, chronic, autosomal recessive, cytochrome b-positive, type 2. Also called: GRANULOMATOUS DISEASE, CHRONIC, AUTOSOMAL RECESSIVE, 2; Chronic granulomatous disease due to deficiency of NCF-2; Chronic Granulomatous Disease, Autosomal Recessive, Cytochrome b-Positive, Type II; GRANULOMATOUS DISEASE, CHRONIC, DUE TO NCF2 DEFICIENCY; CGD, AUTOSOMAL RECESSIVE CYTOCHROME b-POSITIVE, TYPE II. Identifiers: Orphanet 379, MedGen C1856245, MONDO:0009310, OMIM 233710.

Allele frequency attached by ClinVar (database versions not stated): gnomAD exomes below 0.00001.
gnomAD v4.1: 1 of 1,614,136 alleles (0.000062%); highest among the groups gnomAD compares: Middle Eastern, 0.016%; no homozygotes.

Submission:

Labcorp Genetics (formerly Invitae), Labcorp
Classification: Uncertain significance for Granulomatous disease, chronic, autosomal recessive, cytochrome b-positive, type 2. Last evaluated: 2019-05-06. Review status: criteria provided, single submitter. Criteria: Invitae Variant Classification Sherloc (09022015). Collection method: clinical testing. Allele origin: germline.
Comment: This variant has not been reported in the literature in individuals with NCF2-related conditions. This variant is not present in population databases (ExAC no frequency). This sequence change falls in intron 13 of the NCF2 gene. It does not directly change the encoded amino acid sequence of the NCF2 protein, but it affects a nucleotide within the consensus splice site of the intron. In summary, the available evidence is currently insufficient to determine the role of this variant in disease. Therefore, it has been classified as a Variant of Uncertain Significance. Nucleotide substitutions within the consensus splice site are a relatively common cause of aberrant splicing (PMID: 17576681, 9536098). Algorithms developed to predict the effect of sequence changes on RNA splicing suggest that this variant is not likely to affect RNA splicing, but this prediction has not been confirmed by published transcriptional studies.

Literature cited by the submitters: PubMed 17576681; PubMed 9536098.